The following is an entry in ClinVar:

ClinVar aggregate classification (germline): Benign/Likely benign. Review status: criteria provided, multiple submitters, no conflicts (2 of 4 stars). 8 submissions from 8 submitters: Benign (2); Likely benign (6). Last evaluated 2026-01-11.

Conditions:
Hereditary cancer-predisposing syndrome. Also called: Hereditary neoplastic syndrome; Tumor predisposition; Neoplastic Syndromes, Hereditary; Hereditary Cancer Syndrome. Identifiers: Orphanet 140162, MedGen C0027672, MeSH D009386, MONDO:0015356.
Tuberous sclerosis 1 (TSC1). Identifiers: Orphanet 805, MedGen C1854465, MONDO:0008612, OMIM 191100.
Tuberous sclerosis syndrome (TSC). Also called: Tuberous Sclerosis Complex; Tuberous sclerosis. Identifiers: Orphanet 805, MedGen C0041341, MONDO:0001734.

Allele frequency attached by ClinVar (database versions not stated): gnomAD exomes below 0.00001; gnomAD 0.00001; TOPMed 0.00001.

Submissions (8):

Labcorp Genetics (formerly Invitae), Labcorp
Classification: Benign for Tuberous sclerosis 1. Last evaluated: 2026-01-11. Review status: criteria provided, single submitter. Criteria: Invitae Variant Classification Sherloc (09022015). Collection method: clinical testing. Allele origin: germline.

Myriad Genetics, Inc.
Classification: Benign for Tuberous sclerosis 1. Last evaluated: 2025-04-30. Review status: criteria provided, single submitter. Criteria: Myriad Autosomal Dominant, Autosomal Recessive and X-Linked Classification Criteria (2023). Collection method: clinical testing. Allele origin: unknown.
Comment: This variant is considered benign. This variant is a silent/synonymous amino acid change and it is not expected to impact splicing.

CeGaT Center for Human Genetics Tuebingen
Classification: Likely benign. Last evaluated: 2024-01-01. Review status: criteria provided, single submitter. Criteria: CeGaT Center For Human Genetics Tuebingen Variant Classification Criteria Version 2. Collection method: clinical testing. Allele origin: germline. Affected: yes. Observed: 3 variant alleles.
Comment: TSC1: BP4, BP7

All of Us Research Program, National Institutes of Health
Classification: Likely benign for Tuberous sclerosis syndrome. Last evaluated: 2023-06-26. Review status: criteria provided, single submitter. Criteria: ACMG Guidelines, 2015. Collection method: clinical testing. Allele origin: germline. Inheritance: Autosomal dominant inheritance. Observed: 2 variant alleles, 2 heterozygotes.
Comment: This study involves interpretation of variants in research participants for the purpose of population health screening. Participant phenotype was not available at the time of variant classification. Additional details can be found in publication PMID: 35346344, PMCID: PMC8962531

Color Diagnostics, LLC DBA Color Health
Classification: Likely benign for Tuberous sclerosis syndrome. Last evaluated: 2023-06-14. Review status: criteria provided, single submitter. Criteria: ACMG Guidelines, 2015. Collection method: clinical testing. Allele origin: germline.

Genome-Nilou Lab
Classification: Likely benign for Tuberous sclerosis 1. Last evaluated: 2021-11-07. Review status: criteria provided, single submitter. Criteria: ACMG Guidelines, 2015. Collection method: clinical testing. Allele origin: germline. Affected: no.

GeneDx
Classification: Likely benign. Last evaluated: 2020-07-06. Review status: criteria provided, single submitter. Criteria: GeneDx Variant Classification Process June 2021. Collection method: clinical testing. Allele origin: germline. Affected: yes.

Ambry Genetics
Classification: Likely benign for Hereditary cancer-predisposing syndrome. Last evaluated: 2016-04-21. Review status: criteria provided, single submitter. Criteria: Ambry Variant Classification Scheme 2023. Collection method: clinical testing. Allele origin: germline.

NM_000368.5(TSC1):c.3373T>C (p.Leu1125=)

Gene: TSC1 (TSC complex subunit 1; minus strand). Cytogenetic location: 9q34.13.
Variant type: single nucleotide variant.
Coding change: c.3373T>C on transcript NM_000368.5 (MANE Select); coding-DNA position 3373, T replaced by C.
Protein change: p.Leu1125=; no amino-acid change (leucine 1125 retained).
Molecular consequence: synonymous variant.
Genome position (GRCh38, 1-based): chr9:132,896,357, A>G on the plus strand (T>C on the coding strand, the complement: TSC1 is on the minus strand). VCF-style: chr9-132896357-A-G. GRCh37 (hg19) VCF-style: chr9-135771744-A-G.
Other names: c.3370T>C, p.Leu1124= (NM_001162426.2); c.3220T>C, p.Leu1074= (NM_001162427.2); c.3010T>C, p.Leu1004= (NM_001362177.2).
Identifiers: ClinVar variation 466134 (VCV000466134.63), dbSNP rs1157060310, ClinGen allele CA467812995.